The following is an entry in ClinVar:

ClinVar aggregate classification (germline): Pathogenic (1 of 4 stars; one submission).

Submission:

Labcorp Genetics (formerly Invitae), Labcorp
Classification: Pathogenic. Last evaluated: 2023-09-04. Review status: criteria provided, single submitter. Criteria: Invitae Variant Classification Sherloc (09022015). Collection method: clinical testing. Allele origin: unknown.
Comment: For these reasons, this variant has been classified as Pathogenic. This variant has not been reported in the literature in individuals affected with ELP1-related conditions. This variant is a gross deletion of the genomic region encompassing exon(s) 2-11 of the ELP1 gene, which includes the initiator codon. This deletion extends beyond the assayed region for this gene and therefore may encompass additional genes. It is expected to result in an absent or disrupted protein product. Loss-of-function variants in ELP1 are known to be pathogenic (PMID: 18303054, 24173031).

Literature cited by the submitters: PubMed 18303054; PubMed 24173031.

NC_000009.11:g.(?_111674524)_(111693426_?)del

Gene: ELP1 (elongator acetyltransferase complex subunit 1; minus strand). Cytogenetic location: 9q31.3.
Variant type: Deletion.
Identifiers: ClinVar variation 3245323 (VCV003245323.1).